The following is an entry in ClinVar:

NM_005210.4(CRYGB):c.252G>A (p.Pro84=)

Genes: CRYGB (crystallin gamma B; minus strand), LOC100507443 (uncharacterized LOC100507443; plus strand). Cytogenetic location: 2q33.3.
Variant type: single nucleotide variant.
Coding change: c.252G>A on transcript NM_005210.4 (MANE Select); coding-DNA position 252, G replaced by A.
Protein change: p.Pro84=; no amino-acid change (proline 84 retained).
Molecular consequence: synonymous variant.
Genome position (GRCh38, 1-based): chr2:208,145,774, C>T on the plus strand (G>A on the coding strand, the complement: CRYGB is on the minus strand). VCF-style: chr2-208145774-C-T. GRCh37 (hg19) VCF-style: chr2-209010498-C-T.
Identifiers: ClinVar variation 4808008 (VCV004808008.1).

ClinVar aggregate classification (germline): Uncertain significance (1 of 4 stars; one submission).

Conditions:
Cataract 39 multiple types. Also called: Cataract 39, multiple types, autosomal dominant. Identifiers: Orphanet 91492, MedGen C3808800, MONDO:0014075, OMIM 615188.

Submission:

Labcorp Genetics (formerly Invitae), Labcorp
Classification: Uncertain significance for Cataract 39 multiple types. Last evaluated: 2025-07-28. Review status: criteria provided, single submitter. Criteria: Invitae Variant Classification Sherloc (09022015). Collection method: clinical testing. Allele origin: germline.
Comment: This sequence change affects codon 84 of the CRYGB mRNA. It is a 'silent' change, meaning that it does not change the encoded amino acid sequence of the CRYGB protein. This variant also falls at the last nucleotide of exon 2, which is part of the consensus splice site for this exon. This variant is present in population databases (rs558244415, gnomAD 0.04%). This variant has not been reported in the literature in individuals affected with CRYGB-related conditions. Variants that disrupt the consensus splice site are a relatively common cause of aberrant splicing (PMID: 17576681, 9536098). Algorithms developed to predict the effect of sequence changes on RNA splicing suggest that this variant is not likely to affect RNA splicing. In summary, the available evidence is currently insufficient to determine the role of this variant in disease. Therefore, it has been classified as a Variant of Uncertain Significance.

Literature cited by the submitters: PubMed 17576681; PubMed 9536098.